The following is an entry in ClinVar:

NM_001430.5(EPAS1):c.2170G>A (p.Gly724Arg)

Gene: EPAS1 (endothelial PAS domain protein 1; plus strand). Cytogenetic location: 2p21.
Variant type: single nucleotide variant.
Coding change: c.2170G>A on transcript NM_001430.5 (MANE Select); coding-DNA position 2170, G replaced by A.
Protein change: p.Gly724Arg; replaces glycine 724 with arginine.
Molecular consequence: missense variant.
Genome position (GRCh38, 1-based): chr2:46,381,720, G>A. VCF-style: chr2-46381720-G-A. GRCh37 (hg19) VCF-style: chr2-46608859-G-A.
Other names: c.2170G>A (NM_001430.4); short protein forms G724R.
Identifiers: ClinVar variation 808738 (VCV000808738.47), dbSNP rs369874127, ClinGen allele CA1645236.

ClinVar aggregate classification (germline): Conflicting classifications of pathogenicity. Review status: criteria provided, conflicting classifications (1 of 4 stars). 4 submissions from 4 submitters: Uncertain significance (3); Likely benign (1). Last evaluated 2025-03-01.

Conditions:
Inborn genetic diseases. Identifiers: MedGen C0950123, MeSH D030342.

Allele frequency attached by ClinVar (database versions not stated): TOPMed 0.00006; ESP Exome Variant Server 0.00015.
gnomAD v4.1: 37 of 1,613,668 alleles (0.0023%); highest among the groups gnomAD compares: Middle Eastern, 0.016%; no homozygotes.

Submissions (4):

CeGaT Center for Human Genetics Tuebingen
Classification: Likely benign. Last evaluated: 2025-03-01. Review status: criteria provided, single submitter. Criteria: CeGaT Center For Human Genetics Tuebingen Variant Classification Criteria Version 2. Collection method: clinical testing. Allele origin: germline. Affected: yes. Observed: 2 variant alleles.
Comment: EPAS1: BP4

Labcorp Genetics (formerly Invitae), Labcorp
Classification: Uncertain significance. Last evaluated: 2024-12-26. Review status: criteria provided, single submitter. Criteria: Invitae Variant Classification Sherloc (09022015). Collection method: clinical testing. Allele origin: germline.
Comment: This sequence change replaces glycine, which is neutral and non-polar, with arginine, which is basic and polar, at codon 724 of the EPAS1 protein (p.Gly724Arg). This variant is present in population databases (rs369874127, gnomAD 0.01%). This variant has not been reported in the literature in individuals affected with EPAS1-related conditions. ClinVar contains an entry for this variant (Variation ID: 808738). An algorithm developed to predict the effect of missense changes on protein structure and function outputs the following: PolyPhen-2: "Benign". The arginine amino acid residue is found in multiple mammalian species, which suggests that this missense change does not adversely affect protein function. In summary, the available evidence is currently insufficient to determine the role of this variant in disease. Therefore, it has been classified as a Variant of Uncertain Significance.

Ambry Genetics
Classification: Uncertain significance for Inborn genetic diseases. Last evaluated: 2023-05-24. Review status: criteria provided, single submitter. Criteria: Ambry Variant Classification Scheme 2023. Collection method: clinical testing. Allele origin: germline.

Blueprint Genetics
Classification: Uncertain significance. Last evaluated: 2021-03-10. Review status: criteria provided, single submitter. Criteria: ACMG Guidelines, 2015. Collection method: clinical testing. Allele origin: germline.